The following is an entry in ClinVar:

NM_000407.5(GP1BB):c.448del (p.Ala150fs)

Genes: GP1BB (glycoprotein Ib platelet subunit beta; plus strand), SEPT5-GP1BB (SEPT5-GP1BB readthrough; plus strand). Cytogenetic location: 22q11.21.
Variant type: Deletion.
Coding change: c.448del on transcript NM_000407.5 (MANE Select); coding-DNA position 448, one base deleted (G; older notation c.448delG).
Protein change: p.Ala150fs; shifts the reading frame from alanine 150.
Molecular consequence: frameshift variant. On other transcripts: non-coding transcript variant (2).
Genome position (GRCh38, 1-based): chr22:19,724,291, G deleted; the last of 6 consecutive G bases (chr22:19,724,286-19,724,291); deleting any one gives the same sequence. VCF-style (leftmost placement, unchanged base first): chr22-19724285-TG-T. GRCh37 (hg19) VCF-style: chr22-19711808-TG-T.
Other names: NM_000407.5(GP1BB):c.448del; p.Ala150fs; c.448delG (NM_000407.4, NM_000407.5); short protein forms A150fs.
Identifiers: ClinVar variation 627075 (VCV000627075.5), dbSNP rs1360071443, ClinGen allele CA638504295.
Genomic context (GRCh38, chr22:19,724,285, plus strand): 5'-CTGCTGCCCTATCTGGCCGAGGACGAGCTGCGCGCCGCTTGCGCTCCCGGCCCGCTCTGC[TG>T]GGGGGCGCTGGCGGCGCAGCTTGCGCTGCTGGGCCTTGGGCTGCTGCACGCGTTGCTGCT-3'

ClinVar aggregate classification (germline): Likely pathogenic. Review status: reviewed by expert panel (3 of 4 stars). 4 submissions from 3 submitters: Likely pathogenic (1). 3 of the submissions do not count toward it. Last evaluated 2025-02-11.

Conditions:
Thrombocytopenia. Identifiers: MedGen C0040034, MeSH D013921, MONDO:0002049, HP:0001873.
Bernard Soulier syndrome (BSS). Also called: Platelet Glycoprotein 1b, Deficiency of; BLEEDING DISORDER, PLATELET-TYPE, 1; Giant platelet syndrome; Hemorrhagiparous thrombocytic dystrophy; Giant platelet disease; PLATELET GLYCOPROTEIN Ib DEFICIENCY. Identifiers: Orphanet 274, MedGen C0005129, MeSH D001606, MONDO:0009276, OMIM 231200.
Macrothrombocytopenia. Identifiers: MedGen C2751260, HP:0040185.

Submissions (4):

ClinGen Platelet Disorders Variant Curation Expert Panel, ClinGen
Classification: Likely pathogenic for Bernard Soulier syndrome. Last evaluated: 2025-02-11. Review status: reviewed by expert panel. Criteria: ClinGen Platelet ACMG Specifications GP1BB V1.0.0. Collection method: curation. Allele origin: germline. Inheritance: Autosomal recessive inheritance.
Comment: The variant NM_000407.5(GP1BB):c.448del (p.Ala150ArgfsTer?) has been reported in at least one individual with Bernard Soulier Syndrome. At least one patient compound heterozygous for this variant had macrothrombocytopenia and aggregation absent for ristocetin and present for all other agonists, which is highly specific for Bernard-Soulier syndrome (PP4). Additionally, surface expression of GP1ba, GP1bb, and GP9 measured by flow cytometry in 293T cells transiently co-transfected with the c.448del variant and wild type GP1ba and GP9 showed decreased expression at 0% (<25%) WT levels, indicating that this variant impacts protein function (PMID:16978236) (PS3_supporting). Finally, the variant is a frameshift variant which may cause loss of function of the protein, however it is predicted to escape nonsense mediated decay and remove <10% of the protein, affecting the critical transmembrane domain (PVS1_strong). The Grpmax filtering allele frequency in gnomaDv4.1 is 0.00001079 (based on 2/30690 alleles) in the East Asian population, which is below the <0.0000651678 threshold for PM2_supporting. In summary, this variant meets the criteria to be classified as likely pathogenic for autosomal recessive Bernard-Soulier syndrome based on the ACMG/AMP criteria applied, as specified by the ClinGen PD VCEP: PVS1_strong, PM2_supporting, PP4, PS3_supporting.

Women's Health and Genetics/Laboratory Corporation of America, LabCorp
Classification: Uncertain significance. Last evaluated: 2025-01-13. Review status: criteria provided, single submitter. Criteria: LabCorp Variant Classification Summary - May 2015. Collection method: clinical testing. Allele origin: germline. Not counted in ClinVar's aggregate classification.
Comment: Variant summary: GP1BB c.448delG (p.Ala150ArgfsX43) results in a premature termination codon in the last exon, predicted to cause a truncation of the encoded protein, however, nonsense mediated decay is not expected to occur. The frequency data for this variant in gnomAD is considered unreliable, as metrics indicate poor data quality at this position. c.448delG has been reported in the literature in at least one compound heterozygous individual affected with Bernard Soulier Syndrome with unclassified second variant, in individuals affected with macrothrombocytopenia without evidence of causality, or in a heterozygous individual with an unspecified platelet disorder (e.g. Savoia_2014, Sivapalaratnam_2017, Downes_2019, Kunishima_2006). These reports do not provide unequivocal conclusions about association of the variant with Bernard Soulier Syndrome. To our knowledge, no experimental evidence demonstrating an impact on protein function has been reported. The following publications have been ascertained in the context of this evaluation (PMID: 24934643, 28064200, 31064749, 16978236). ClinVar contains an entry for this variant (Variation ID: 627075). Based on the evidence outlined above, the variant was classified as uncertain significance.

NIHR Bioresource Rare Diseases, University of Cambridge
Classification: Likely pathogenic for Thrombocytopenia. Last evaluated: 2019-02-01. Review status: criteria provided, single submitter. Criteria: ACMG Guidelines, 2015. Collection method: research. Allele origin: unknown. Affected: yes. Observed: 1 heterozygote. Study: ThromboGenomics. Not counted in ClinVar's aggregate classification.

NIHR Bioresource Rare Diseases, University of Cambridge
Classification: Likely pathogenic for Macrothrombocytopenia. Review status: no assertion criteria provided. Collection method: research. Allele origin: unknown. Affected: yes. Observed: 1 variant allele. Not counted in ClinVar's aggregate classification.

Literature cited by the submitters: PubMed 31064749 (cited by Women's Health and Genetics/Laboratory Corporation of America, LabCorp and NIHR Bioresource Rare Diseases, University of Cambridge); PubMed 24934643 (cited by Women's Health and Genetics/Laboratory Corporation of America, LabCorp); PubMed 16978236 (cited by Women's Health and Genetics/Laboratory Corporation of America, LabCorp); PubMed 28064200 (cited by Women's Health and Genetics/Laboratory Corporation of America, LabCorp); PubMed 32581362 (cited by NIHR Bioresource Rare Diseases, University of Cambridge).